The following is an entry in ClinVar:

ClinVar aggregate classification (germline): Uncertain significance (1 of 4 stars; one submission).

Conditions:
Brain malformations with or without urinary tract defects. Also called: Brain malformations and urinary tract defects. Identifiers: MedGen C4478940, MONDO:0100478, OMIM 613735.

gnomAD v4.1: 1 of 1,613,858 alleles (0.000062%); highest among the groups gnomAD compares: African/African-American, 0.0013%; no homozygotes.

Submission:

Dasa
Classification: Uncertain significance for brain malformations with or without urinary tract defects. Last evaluated: 2025-04-01. Review status: criteria provided, single submitter. Criteria: DASA Assertion Criteria. Collection method: clinical testing. Allele origin: germline.
Comment: NM_001134673.4(NFIA):c.260A>G (p.Tyr87Cys) is a missense variant that results in the substitution of tyrosine with cysteine. This variant is rare in population databases. The currently available literature and clinical evidence are not sufficient to establish a definitive association between this variant and the reported condition. Therefore, this variant is classified as a variant of uncertain significance.

NM_001134673.4(NFIA):c.260A>G (p.Tyr87Cys)

Gene: NFIA (nuclear factor I A; plus strand). Cytogenetic location: 1p31.3.
Variant type: single nucleotide variant.
Coding change: c.260A>G on transcript NM_001134673.4 (MANE Select); coding-DNA position 260, A replaced by G.
Protein change: p.Tyr87Cys; replaces tyrosine 87 with cysteine.
Molecular consequence: missense variant.
Genome position (GRCh38, 1-based): chr1:61,088,381, A>G. VCF-style: chr1-61088381-A-G. GRCh37 (hg19) VCF-style: chr1-61554053-A-G.
Other names: c.236A>G, p.Tyr79Cys (NM_001145511.2); c.395A>G, p.Tyr132Cys (NM_001145512.2); c.260A>G, p.Tyr87Cys (NM_005595.5); short protein forms Y132C, Y79C, Y87C.
Identifiers: ClinVar variation 4881832 (VCV004881832.2).
Genomic context (GRCh38, chr1:61,088,381, plus strand): 5'-TCAAGCAGAAGTGGGCATCTCGACTTCTGGCAAAGTTGCGGAAAGATATCCGACCCGAAT[A>G]TCGAGAGGATTTTGTTCTTACAGTTACAGGGAAAAAACCTCCATGTTGTGTTCTTTCCAA-3'
Protein context (NP_001128145.1, residues 77-97): AKLRKDIRPE[Tyr87Cys]REDFVLTVTG